The following is an entry in ClinVar:

ClinVar aggregate classification (germline): Uncertain significance. Review status: criteria provided, multiple submitters, no conflicts (2 of 4 stars). 6 submissions from 6 submitters: Uncertain significance (6). Last evaluated 2026-03-10.

Conditions:
PKD1-related disorder. Also called: PKD1-related condition.
Polycystic kidney disease, adult type (PKD1). Also called: Polycystic Kidney, Autosomal Dominant; Polycystic Kidney Disease 1, Autosomal Dominant; Polycystic kidney disease 1; Polycystic kidney disease 1, severe; POLYCYSTIC KIDNEY DISEASE, ADULT, TYPE I; POLYCYSTIC KIDNEY DISEASE 1 WITH OR WITHOUT POLYCYSTIC LIVER DISEASE. Identifiers: MedGen C3149841, MONDO:0008263, OMIM 173900.

Allele frequency attached by ClinVar (database versions not stated): gnomAD exomes below 0.00001; gnomAD 0.00001; TOPMed 0.00001.
gnomAD v4.1: 7 of 1,599,486 alleles (0.00044%); highest among the groups gnomAD compares: Admixed American, 0.0017%; no homozygotes.

Submissions (6):

PreventionGenetics, part of Exact Sciences
Classification: Uncertain significance for PKD1-related condition. Last evaluated: 2026-03-10. Review status: criteria provided, single submitter. Criteria: ACMG Guidelines, 2015. Collection method: clinical testing. Allele origin: germline.
Comment: The PKD1 c.2993C>T variant is predicted to result in the amino acid substitution p.Ala998Val. To our knowledge, this variant has not been reported in the literature. Of note, a different rare substitution at the same codon, defined as c.2992G>C (p.Ala998Pro), was reported in an individual with autosomal dominant polycystic kidney disease (ADPKD) (Table S3, Hwang. 2016. PubMed ID: 26453610). The c.2993C>T (p.Ala998Val) variant is reported in 0.0028% of alleles in individuals of Latino descent in gnomAD. At this time, the clinical significance of this variant is uncertain due to the absence of conclusive functional and genetic evidence.

GeneDx
Classification: Uncertain significance. Last evaluated: 2025-11-13. Review status: criteria provided, single submitter. Criteria: GeneDx Variant Classification Process June 2021. Collection method: clinical testing. Allele origin: germline.
Comment: Not observed at significant frequency in large population cohorts (gnomAD); In silico analysis suggests that this missense variant does not alter protein structure/function; Has not been previously published as pathogenic or benign to our knowledge

Genetic Services Laboratory, University of Chicago
Classification: Uncertain significance. Last evaluated: 2024-07-18. Review status: criteria provided, single submitter. Criteria: ACMG Guidelines, 2015. Collection method: clinical testing. Allele origin: germline. Affected: no.
Comment: DNA sequence analysis of the PKD1 gene demonstrated a sequence change, c.6643C>T, in exon 15 that results in an amino acid change, p.Arg2215Trp. This sequence change has been reported in several individuals with Autosomal Dominant Polycystic Kidney Disease (ADPKD) (PMID: 23300259, 23431072, 31740684, 33639313, 30820006). This sequence change has been described in the gnomAD database with a frequency of 0.0004% in the overall population (dbSNP rs752793757). The prevalence of this sequence change in affected individuals has been determined to be significantly increased compared to its prevalence in controls. The p.Arg2215Trp change affects a poorly conserved amino acid residue located in a domain of the PKD1 protein that is known to be functional. In-silico pathogenicity prediction tools (SIFT, PolyPhen2, Align GVGD, CADD) suggest that the p.Arg2215Trp substitution may be deleterious on protein function. Collectively, this evidence indicates that this sequence change is likely pathogenic.

Fulgent Genetics
Classification: Uncertain significance for Polycystic kidney disease, adult type. Last evaluated: 2024-05-15. Review status: criteria provided, single submitter. Criteria: ACMG Guidelines, 2015. Collection method: clinical testing. Allele origin: germline.

Blueprint Genetics
Classification: Uncertain significance. Last evaluated: 2022-05-18. Review status: criteria provided, single submitter. Criteria: ACMG Guidelines, 2015. Collection method: clinical testing. Allele origin: germline.

Athena Diagnostics
Classification: Uncertain significance. Last evaluated: 2021-01-19. Review status: criteria provided, single submitter. Criteria: Athena Diagnostics criteria. Collection method: clinical testing. Allele origin: unknown.

NM_001009944.3(PKD1):c.2993C>T (p.Ala998Val)

Gene: PKD1 (polycystin 1, transient receptor potential channel interacting; minus strand). Cytogenetic location: 16p13.3.
Variant type: single nucleotide variant.
Coding change: c.2993C>T on transcript NM_001009944.3 (MANE Select); coding-DNA position 2993, C replaced by T.
Protein change: p.Ala998Val; replaces alanine 998 with valine.
Molecular consequence: missense variant.
Genome position (GRCh38, 1-based): chr16:2,112,956, G>A on the plus strand (C>T on the coding strand, the complement: PKD1 is on the minus strand). VCF-style: chr16-2112956-G-A. GRCh37 (hg19) VCF-style: chr16-2162957-G-A.
Other names: c.2993C>T, p.Ala998Val (NM_000296.4); c.2993C>T (NM_001009944.2); short protein forms A998V.
Identifiers: ClinVar variation 1256440 (VCV001256440.9), dbSNP rs1393997103, ClinGen allele CA394385248.
Genomic context (GRCh38, chr16:2,112,956, plus strand): 5'-CTGTTCATCCGCTCCACGGTTACGTTGTAGTTCACGGTGACGTTGCTCACGTGGTTGGAG[G>A]CCGTCAGCTGCAGGGACAGGCGTCAGTGAGCCCAGGTGGCAGGTGAGAGGCCTGGCCCTG-3'
Protein context (NP_001009944.3, residues 988-1008): SAAVFKLSLT[Ala998Val]SNHVSNVTVN